The following is an entry in ClinVar:

ClinVar aggregate classification (germline): Uncertain significance (1 of 4 stars; one submission).

Submission:

Ambry Genetics
Classification: Uncertain significance. Last evaluated: 2022-05-14. Review status: criteria provided, single submitter. Criteria: Ambry Variant Classification Scheme 2023. Collection method: clinical testing. Allele origin: germline.
Comment: The p.V296L variant (also known as c.886G>T), located in coding exon 6 of the POLQ gene, results from a G to T substitution at nucleotide position 886. The valine at codon 296 is replaced by leucine, an amino acid with highly similar properties. This amino acid position is conserved. In addition, this alteration is predicted to be tolerated by in silico analysis. Since supporting evidence is limited at this time, the clinical significance of this alteration remains unclear.

NM_199420.4(POLQ):c.886G>T (p.Val296Leu)

Gene: POLQ (DNA polymerase theta; minus strand). Cytogenetic location: 3q13.33.
Variant type: single nucleotide variant.
Coding change: c.886G>T on transcript NM_199420.4 (MANE Select); coding-DNA position 886, G replaced by T.
Protein change: p.Val296Leu; replaces valine 296 with leucine.
Molecular consequence: missense variant.
Genome position (GRCh38, 1-based): chr3:121,533,064, C>A on the plus strand (G>T on the coding strand, the complement: POLQ is on the minus strand). VCF-style: chr3-121533064-C-A. GRCh37 (hg19) VCF-style: chr3-121251911-C-A.
Other names: short protein forms V296L.
Identifiers: ClinVar variation 1764945 (VCV001764945.2), dbSNP rs755361124, ClinGen allele CA354126126.